The following is an entry in ClinVar:

NM_007294.4(BRCA1):c.187T>A (p.Leu63Ile)

Gene: BRCA1 (BRCA1 DNA repair associated; minus strand). Cytogenetic location: 17q21.31.
Variant type: single nucleotide variant.
Coding change: c.187T>A on transcript NM_007294.4 (MANE Select); coding-DNA position 187, T replaced by A.
Protein change: p.Leu63Ile; replaces leucine 63 with isoleucine.
Molecular consequence: missense variant. On other transcripts: intron variant (34), 5 prime UTR variant (61).
Genome position (GRCh38, 1-based): chr17:43,106,481, A>T on the plus strand (T>A on the coding strand, the complement: BRCA1 is on the minus strand). VCF-style: chr17-43106481-A-T. GRCh37 (hg19) VCF-style: chr17-41258498-A-T.
Other names: c.135-1525T>A (NM_001408416.1, NM_001408414.1, NM_001408411.1 and 21 more transcripts); c.187T>A, p.Leu63Ile (NM_001407652.1, NM_001407664.1, NM_001407665.1 and 168 more transcripts); c.46T>A, p.Leu16Ile (NM_001407692.1, NM_001407694.1, NM_001407695.1 and 99 more transcripts); c.-2T>A (NM_001407853.1, NM_001407879.1, NM_001407881.1 and 58 more transcripts); c.-218-11621T>A (NM_001407967.1, NM_001407966.1); c.-169-1525T>A (NM_001407959.1, NM_001407962.1, NM_001408512.1 and 4 more transcripts); c.81-1525T>A (NM_001408451.1); short protein forms L63I, L16I.
Identifiers: ClinVar variation 865237 (VCV000865237.3), dbSNP rs2054778672, ClinGen allele CA10601791.

Conditions:
Breast-ovarian cancer, familial, susceptibility to, 1 (BROVCA1). Also called: BRCA1 Hereditary Breast and Ovarian Cancer; OVARIAN CANCER, SUSCEPTIBILITY TO. Identifiers: Orphanet 145, MedGen C2676676, MONDO:0011450, OMIM 604370. Disease mechanism: loss of function.

Submission:

Brotman Baty Institute, University of Washington
No classification provided (evidence only). Condition: Breast-ovarian cancer, familial 1. Review status: no classification provided. Collection method: in vitro. Allele origin: not applicable. Functional consequence: functionally_normal.
ClinVar note: "not provided" was previously submitted as the classification for the variant. However, the classification appeared to be based only on an observation of functional data so it was converted to no classification on 2025-07-30.